The following is an entry in ClinVar:

ClinVar aggregate classification (germline): Uncertain significance. Review status: criteria provided, multiple submitters, no conflicts (2 of 4 stars). 2 submissions from 2 submitters: Uncertain significance (2). Last evaluated 2026-01-27.

Conditions:
Perry syndrome. Also called: PARKINSONISM WITH ALVEOLAR HYPOVENTILATION AND MENTAL DEPRESSION. Identifiers: Orphanet 178509, MedGen C1868594, MONDO:0008201, OMIM 168605.
Neuronopathy, distal hereditary motor, type 7B. Also called: HMN VIIB; LOWER MOTOR NEURON DISEASE, DYNACTIN TYPE; NEURONOPATHY, DISTAL HEREDITARY MOTOR, AUTOSOMAL DOMINANT 14; NEURONOPATHY, DISTAL HEREDITARY MOTOR, HARDING TYPE VIIB; NEUROPATHY, DISTAL HEREDITARY MOTOR, HARDING TYPE VIIB; NEUROPATHY, DISTAL HEREDITARY MOTOR, WITH VOCAL CORD PARALYSIS, HARDING TYPE VIIB. Identifiers: Orphanet 139589, MedGen C1843315, MONDO:0011879, OMIM 607641.
Amyotrophic lateral sclerosis type 1 (ALS1). Also called: AMYOTROPHIC LATERAL SCLEROSIS 1, FAMILIAL. Identifiers: Orphanet 803, MedGen C1862939, MONDO:0007103, OMIM 105400.

gnomAD v4.1: 19 of 1,612,910 alleles (0.0012%); highest among the groups gnomAD compares: South Asian, 0.0022%; no homozygotes.

Submissions (2):

Labcorp Genetics (formerly Invitae), Labcorp
Classification: Uncertain significance for Amyotrophic lateral sclerosis type 1; Neuronopathy, distal hereditary motor, type 7B; Perry syndrome. Last evaluated: 2026-01-27. Review status: criteria provided, single submitter. Criteria: Invitae Variant Classification Sherloc (09022015). Collection method: clinical testing. Allele origin: germline.
Comment: This sequence change replaces arginine, which is basic and polar, with tryptophan, which is neutral and slightly polar, at codon 28 of the DCTN1 protein (p.Arg28Trp). The frequency data for this variant in the population databases is considered unreliable, as metrics indicate poor data quality at this position in the gnomAD database. This variant has not been reported in the literature in individuals affected with DCTN1-related conditions. ClinVar contains an entry for this variant (Variation ID: 2039549). Invitae Evidence Modeling of protein sequence and biophysical properties (such as structural, functional, and spatial information, amino acid conservation, physicochemical variation, residue mobility, and thermodynamic stability) indicates that this missense variant is not expected to disrupt DCTN1 protein function with a negative predictive value of 95%. In summary, the available evidence is currently insufficient to determine the role of this variant in disease. Therefore, it has been classified as a Variant of Uncertain Significance.

GeneDx
Classification: Uncertain significance. Last evaluated: 2023-06-06. Review status: criteria provided, single submitter. Criteria: GeneDx Variant Classification Process June 2021. Collection method: clinical testing. Allele origin: germline. Affected: yes.
Comment: Observed in large population cohorts (gnomAD; internal data); In silico analysis supports that this missense variant has a deleterious effect on protein structure/function; Has not been previously published as pathogenic or benign to our knowledge

NM_004082.5(DCTN1):c.82C>T (p.Arg28Trp)

Gene: DCTN1 (dynactin subunit 1; minus strand). Cytogenetic location: 2p13.1.
Variant type: single nucleotide variant.
Coding change: c.82C>T on transcript NM_004082.5 (MANE Select); coding-DNA position 82, C replaced by T.
Protein change: p.Arg28Trp; replaces arginine 28 with tryptophan.
Molecular consequence: missense variant. On other transcripts: non-coding transcript variant (1).
Genome position (GRCh38, 1-based): chr2:74,378,197, G>A on the plus strand (C>T on the coding strand, the complement: DCTN1 is on the minus strand). VCF-style: chr2-74378197-G-A. GRCh37 (hg19) VCF-style: chr2-74605324-G-A.
Other names: c.82C>T, p.Arg28Trp (NM_001135040.3, NM_001190837.2); c.31C>T, p.Arg11Trp (NM_001190836.2, NM_001378991.1, NM_001378992.1); short protein forms R11W, R28W.
Identifiers: ClinVar variation 2039549 (VCV002039549.5), dbSNP rs1050062954, ClinGen allele CA50440300.